The following is an entry in ClinVar:

ClinVar aggregate classification (germline): Likely pathogenic. Review status: criteria provided, single submitter (1 of 4 stars). 2 submissions from 2 submitters: Likely pathogenic (1). 1 of the submissions does not count toward it. Last evaluated 2025-12-29.

Conditions:
Progressive familial intrahepatic cholestasis type 2. Identifiers: Orphanet 79304, MedGen C3489789, MONDO:0011156, OMIM 601847.

gnomAD v4.1: 1 of 1,606,886 alleles (0.000062%); highest among the groups gnomAD compares: Non-Finnish European, 0.000085%; no homozygotes.

Submissions (2):

Center for Genomic Medicine, Rigshospitalet, Copenhagen University Hospital
Classification: Likely pathogenic. Last evaluated: 2025-12-29. Review status: criteria provided, single submitter. Criteria: ACMG Guidelines, 2015. Collection method: clinical testing. Allele origin: germline.
Comment: Classification criteria: PVS1, PM2_supporting

Department of Pediatric Gastroenterology, Mersin City Hospital
Classification: Likely pathogenic for Progressive familial intrahepatic cholestasis type 2. Last evaluated: 2024-10-30. Review status: no assertion criteria provided. Collection method: clinical testing. Allele origin: germline. Inheritance: Autosomal recessive inheritance. Affected: yes. Observed: 1 homozygote. Not counted in ClinVar's aggregate classification.
Comment: The ABCB11 variant was classified as likely pathogenic according to the ACMG guidelines (PVS1, PM2).This variant is a null variant (intronic within ±2 of splice site) located in a gene where loss-of-function is a known disease mechanism. In addition, the identified variant was found at an extremely low frequency in gnomAD population databases and was not observed in the homozygous state (ƒ = 0.000000687).

NM_003742.4(ABCB11):c.783+1G>A

Gene: ABCB11 (ATP binding cassette subfamily B member 11; minus strand). Cytogenetic location: 2q31.1.
Variant type: single nucleotide variant.
Coding change: c.783+1G>A on transcript NM_003742.4 (MANE Select); the canonical splice donor site of the intron after coding-DNA position 783, G replaced by A.
Molecular consequence: splice donor variant.
Genome position (GRCh38, 1-based): chr2:168,993,710, C>T on the plus strand (G>A on the coding strand, the complement: ABCB11 is on the minus strand). VCF-style: chr2-168993710-C-T. GRCh37 (hg19) VCF-style: chr2-169850220-C-T.
Identifiers: ClinVar variation 3376540 (VCV003376540.2).